The following is an entry in ClinVar:

NM_001127208.3(TET2):c.3043A>G (p.Ser1015Gly)

Genes: TET2-AS1 (TET2 antisense RNA 1; minus strand), TET2 (tet methylcytosine dioxygenase 2; plus strand). Cytogenetic location: 4q24.
Variant type: single nucleotide variant.
Coding change: c.3043A>G on transcript NM_001127208.3 (MANE Select); coding-DNA position 3043, A replaced by G.
Protein change: p.Ser1015Gly; replaces serine 1015 with glycine.
Molecular consequence: missense variant.
Genome position (GRCh38, 1-based): chr4:105,236,985, A>G. VCF-style: chr4-105236985-A-G. GRCh37 (hg19) VCF-style: chr4-106158142-A-G.
Other names: c.3043A>G, p.Ser1015Gly (NM_017628.4); short protein forms S1015G.
Identifiers: ClinVar variation 2972914 (VCV002972914.4), dbSNP rs1334970900, ClinGen allele CA357801386.

ClinVar aggregate classification (germline): Uncertain significance. Review status: criteria provided, multiple submitters, no conflicts (2 of 4 stars). 2 submissions from 2 submitters: Uncertain significance (2). Last evaluated 2025-01-27.

Allele frequency attached by ClinVar (database versions not stated): gnomAD 0.00001; TOPMed 0.00001.

Submissions (2):

Ambry Genetics
Classification: Uncertain significance. Last evaluated: 2025-01-27. Review status: criteria provided, single submitter. Criteria: Ambry Variant Classification Scheme 2023. Collection method: clinical testing. Allele origin: germline.
Comment: The p.S1015G variant (also known as c.3043A>G), located in coding exon 1 of the TET2 gene, results from an A to G substitution at nucleotide position 3043. The serine at codon 1015 is replaced by glycine, an amino acid with similar properties. This amino acid position is conserved. In addition, this alteration is predicted to be tolerated by in silico analysis. Based on the available evidence, the clinical significance of this variant remains unclear.

Labcorp Genetics (formerly Invitae), Labcorp
Classification: Uncertain significance. Last evaluated: 2022-12-04. Review status: criteria provided, single submitter. Criteria: Invitae Variant Classification Sherloc (09022015). Collection method: clinical testing. Allele origin: germline.
Comment: In summary, the available evidence is currently insufficient to determine the role of this variant in disease. Therefore, it has been classified as a Variant of Uncertain Significance. Algorithms developed to predict the effect of missense changes on protein structure and function output the following: SIFT: "Tolerated"; PolyPhen-2: "Benign"; Align-GVGD: "Class C0". The glycine amino acid residue is found in multiple mammalian species, which suggests that this missense change does not adversely affect protein function. This variant has not been reported in the literature in individuals affected with TET2-related conditions. This variant is present in population databases (no rsID available, gnomAD 0.006%). This sequence change replaces serine, which is neutral and polar, with glycine, which is neutral and non-polar, at codon 1015 of the TET2 protein (p.Ser1015Gly).